The following is an entry in ClinVar:

NM_198282.4(STING1):c.493A>G (p.Ile165Val)

Gene: STING1 (stimulator of interferon response cGAMP interactor 1; minus strand). Cytogenetic location: 5q31.2.
Variant type: single nucleotide variant.
Coding change: c.493A>G on transcript NM_198282.4 (MANE Select); coding-DNA position 493, A replaced by G.
Protein change: p.Ile165Val; replaces isoleucine 165 with valine.
Molecular consequence: missense variant.
Genome position (GRCh38, 1-based): chr5:139,480,817, T>C on the plus strand (A>G on the coding strand, the complement: STING1 is on the minus strand). VCF-style: chr5-139480817-T-C. GRCh37 (hg19) VCF-style: chr5-138860402-T-C.
Other names: c.493A>G, p.Ile165Val (NM_001301738.2); c.136A>G, p.Ile46Val (NM_001367258.1); short protein forms I165V, I46V.
Identifiers: ClinVar variation 935539 (VCV000935539.10), dbSNP rs768359336, ClinGen allele CA3435398.

ClinVar aggregate classification (germline): Uncertain significance (1 of 4 stars; one submission).

Conditions:
STING-associated vasculopathy with onset in infancy. Also called: Sting-associated vasculopathy, infantile-onset. Identifiers: Orphanet 425120, MedGen C4014722, MONDO:0014405, OMIM 615934.

Allele frequency attached by ClinVar (database versions not stated): ExAC 0.00001; gnomAD 0.00001; TOPMed 0.00001.
gnomAD v4.1: 24 of 1,613,792 alleles (0.0015%); highest among the groups gnomAD compares: Middle Eastern, 0.016%; no homozygotes.

Submission:

Labcorp Genetics (formerly Invitae), Labcorp
Classification: Uncertain significance for STING-associated vasculopathy with onset in infancy. Last evaluated: 2023-10-13. Review status: criteria provided, single submitter. Criteria: Invitae Variant Classification Sherloc (09022015). Collection method: clinical testing. Allele origin: germline.
Comment: This sequence change replaces isoleucine, which is neutral and non-polar, with valine, which is neutral and non-polar, at codon 165 of the TMEM173 protein (p.Ile165Val). This variant is present in population databases (rs768359336, gnomAD 0.002%). This variant has not been reported in the literature in individuals affected with TMEM173-related conditions. ClinVar contains an entry for this variant (Variation ID: 935539). Advanced modeling of protein sequence and biophysical properties (such as structural, functional, and spatial information, amino acid conservation, physicochemical variation, residue mobility, and thermodynamic stability) performed at Invitae indicates that this missense variant is not expected to disrupt TMEM173 protein function. In summary, the available evidence is currently insufficient to determine the role of this variant in disease. Therefore, it has been classified as a Variant of Uncertain Significance.